The following is an entry in ClinVar:

ClinVar aggregate classification (germline): Uncertain significance. Review status: no assertion criteria provided (0 of 4 stars). 2 submissions from 2 submitters: Uncertain significance (2). Last evaluated 2024-08-15.

Conditions:
EP400-related disorder. Also called: EP400-related condition.

Submissions (2):

PreventionGenetics, part of Exact Sciences
Classification: Uncertain significance for EP400-related condition. Last evaluated: 2024-08-15. Review status: no assertion criteria provided. Collection method: clinical testing. Allele origin: germline.
Comment: The EP400 c.3883C>T variant is predicted to result in premature protein termination (p.Arg1295*). To our knowledge, this variant has not been reported in the literature. At this time, the clinical significance of this variant is uncertain due to the absence of conclusive functional and genetic evidence.

Greenwood Genetic Center Diagnostic Laboratories, Greenwood Genetic Center
Classification: Uncertain significance. Last evaluated: 2021-08-10. Review status: no assertion criteria provided. Collection method: clinical testing. Allele origin: germline. Affected: yes.
Comment: Gene of uncertain significance

NM_015409.5(EP400):c.3883C>T (p.Arg1295Ter)

Gene: EP400 (E1A binding protein p400; plus strand). Cytogenetic location: 12q24.33.
Variant type: single nucleotide variant.
Coding change: c.3883C>T on transcript NM_015409.5 (MANE Select); coding-DNA position 3883, C replaced by T.
Protein change: p.Arg1295Ter; replaces arginine 1295 with a stop codon.
Molecular consequence: nonsense.
Genome position (GRCh38, 1-based): chr12:132,013,873, C>T. VCF-style: chr12-132013873-C-T. GRCh37 (hg19) VCF-style: chr12-132498418-C-T.
Other names: c.3883C>T (NM_015409.4); short protein forms R1295*.
Identifiers: ClinVar variation 1334535 (VCV001334535.5), dbSNP rs2136533705, ClinGen allele CA387324484.
Genomic context (GRCh38, chr12:132,013,873, plus strand): 5'-GATGTGGAAAAGCAACTAACAAAGAAATATGAGCATGTTTTGAAGTGTCGCCTTTCTAAC[C>T]GACAAAAAGCCTTATACGAGGACGTTATCCTGCAACCTGGGTGAGTGTGGGCTCTGGGCA-3'